The following is an entry in ClinVar:

ClinVar aggregate classification (germline): Uncertain significance. Review status: criteria provided, multiple submitters, no conflicts (2 of 4 stars). 2 submissions from 2 submitters: Uncertain significance (2). Last evaluated 2025-08-30.

Conditions:
Ullrich congenital muscular dystrophy 2 (UCMD2). Identifiers: Orphanet 75840, MedGen C4225314, MONDO:0014654, OMIM 616470.
Bethlem myopathy 2 (BTHLM2). Identifiers: Orphanet 536516, Orphanet 610, MedGen C4225313, MONDO:0034022, OMIM 616471.
Inborn genetic diseases. Identifiers: MedGen C0950123, MeSH D030342.

Allele frequency attached by ClinVar (database versions not stated): gnomAD exomes 0.00001; TOPMed below 0.00001.
gnomAD v4.1: 5 of 1,607,628 alleles (0.00031%); highest among the groups gnomAD compares: Non-Finnish European, 0.00042%; no homozygotes.

Submissions (2):

Ambry Genetics
Classification: Uncertain significance for Inborn genetic diseases. Last evaluated: 2025-08-30. Review status: criteria provided, single submitter. Criteria: Ambry Variant Classification Scheme 2023. Collection method: clinical testing. Allele origin: germline.

Labcorp Genetics (formerly Invitae), Labcorp
Classification: Uncertain significance for Bethlem myopathy 2; Ullrich congenital muscular dystrophy 2. Last evaluated: 2025-01-30. Review status: criteria provided, single submitter. Criteria: Invitae Variant Classification Sherloc (09022015). Collection method: clinical testing. Allele origin: germline.
Comment: This sequence change replaces methionine, which is neutral and non-polar, with threonine, which is neutral and polar, at codon 2159 of the COL12A1 protein (p.Met2159Thr). This variant is not present in population databases (gnomAD no frequency). This variant has not been reported in the literature in individuals affected with COL12A1-related conditions. ClinVar contains an entry for this variant (Variation ID: 1036066). Invitae Evidence Modeling of protein sequence and biophysical properties (such as structural, functional, and spatial information, amino acid conservation, physicochemical variation, residue mobility, and thermodynamic stability) indicates that this missense variant is not expected to disrupt COL12A1 protein function with a negative predictive value of 80%. In summary, the available evidence is currently insufficient to determine the role of this variant in disease. Therefore, it has been classified as a Variant of Uncertain Significance.

NM_004370.6(COL12A1):c.6476T>C (p.Met2159Thr)

Gene: COL12A1 (collagen type XII alpha 1 chain; minus strand). Cytogenetic location: 6q13.
Variant type: single nucleotide variant.
Coding change: c.6476T>C on transcript NM_004370.6 (MANE Select); coding-DNA position 6476, T replaced by C.
Protein change: p.Met2159Thr; replaces methionine 2159 with threonine.
Molecular consequence: missense variant.
Genome position (GRCh38, 1-based): chr6:75,125,258, A>G on the plus strand (T>C on the coding strand, the complement: COL12A1 is on the minus strand). VCF-style: chr6-75125258-A-G. GRCh37 (hg19) VCF-style: chr6-75834974-A-G.
Other names: c.2984T>C, p.Met995Thr (NM_080645.3); c.6476T>C (NM_004370.5); short protein forms M2159T, M995T.
Identifiers: ClinVar variation 1036066 (VCV001036066.10), dbSNP rs920759306, ClinGen allele CA140983390.